The following is an entry in ClinVar:

ClinVar aggregate classification (germline): Benign/Likely benign. Review status: criteria provided, multiple submitters, no conflicts (2 of 4 stars). 3 submissions from 3 submitters: Benign (1); Likely benign (2). Last evaluated 2025-05-26.

Conditions:
Melanoma, cutaneous malignant, susceptibility to, 3. Also called: Cutaneous malignant melanoma 3. Identifiers: Orphanet 618, MedGen C1836892, MONDO:0012183, OMIM 609048.
Hereditary cancer-predisposing syndrome. Also called: Neoplastic Syndromes, Hereditary; Tumor predisposition; Hereditary Cancer Syndrome; Hereditary neoplastic syndrome. Identifiers: Orphanet 140162, MedGen C0027672, MeSH D009386, MONDO:0015356.
Familial melanoma. Also called: Hereditary melanoma; Hereditary cutaneous melanoma. Identifiers: Orphanet 618, MedGen C1512419, MONDO:0018961.

Allele frequency attached by ClinVar (database versions not stated): gnomAD exomes below 0.00001 and 0.00001; gnomAD 0.00001; TOPMed 0.00002.
gnomAD v4.1: 5 of 1,613,592 alleles (0.00031%); highest among the groups gnomAD compares: African/African-American, 0.0053%; no homozygotes.

Submissions (3):

Labcorp Genetics (formerly Invitae), Labcorp
Classification: Likely benign for Familial melanoma. Last evaluated: 2025-05-26. Review status: criteria provided, single submitter. Criteria: Invitae Variant Classification Sherloc (09022015). Collection method: clinical testing. Allele origin: germline.

Myriad Genetics, Inc.
Classification: Benign for Melanoma, cutaneous malignant, susceptibility to, 3. Last evaluated: 2024-09-26. Review status: criteria provided, single submitter. Criteria: Myriad Autosomal Dominant, Autosomal Recessive and X-Linked Classification Criteria (2023). Collection method: clinical testing. Allele origin: unknown.
Comment: This variant is considered benign. This variant is a silent/synonymous amino acid change and it is not expected to impact splicing.

Ambry Genetics
Classification: Likely benign for Hereditary cancer-predisposing syndrome. Last evaluated: 2017-08-29. Review status: criteria provided, single submitter. Criteria: Ambry Variant Classification Scheme 2023. Collection method: clinical testing. Allele origin: germline.

NM_000075.4(CDK4):c.534C>T (p.Leu178=)

Gene: CDK4 (cyclin dependent kinase 4; minus strand). Cytogenetic location: 12q14.1.
Variant type: single nucleotide variant.
Coding change: c.534C>T on transcript NM_000075.4 (MANE Select); coding-DNA position 534, C replaced by T.
Protein change: p.Leu178=; no amino-acid change (leucine 178 retained).
Molecular consequence: synonymous variant.
Genome position (GRCh38, 1-based): chr12:57,750,754, G>A on the plus strand (C>T on the coding strand, the complement: CDK4 is on the minus strand). VCF-style: chr12-57750754-G-A. GRCh37 (hg19) VCF-style: chr12-58144537-G-A.
Identifiers: ClinVar variation 485484 (VCV000485484.15), dbSNP rs11547327, ClinGen allele CA237844159.